The following is an entry in ClinVar:

NM_001376.5(DYNC1H1):c.7759G>A (p.Glu2587Lys)

Gene: DYNC1H1 (dynein cytoplasmic 1 heavy chain 1; plus strand). Cytogenetic location: 14q32.31.
Variant type: single nucleotide variant.
Coding change: c.7759G>A on transcript NM_001376.5 (MANE Select); coding-DNA position 7759, G replaced by A.
Protein change: p.Glu2587Lys; replaces glutamic acid 2587 with lysine.
Molecular consequence: missense variant.
Genome position (GRCh38, 1-based): chr14:102,016,910, G>A. VCF-style: chr14-102016910-G-A. GRCh37 (hg19) VCF-style: chr14-102483247-G-A.
Other names: short protein forms E2587K.
Identifiers: ClinVar variation 4802062 (VCV004802062.1).

ClinVar aggregate classification (germline): Uncertain significance (1 of 4 stars; one submission).

Conditions:
Charcot-Marie-Tooth disease axonal type 2O. Also called: CHARCOT-MARIE-TOOTH NEUROPATHY, AXONAL, TYPE 2O; CHARCOT-MARIE-TOOTH DISEASE, AXONAL, AUTOSOMAL DOMINANT, TYPE 2O; Charcot-Marie-Tooth Neuropathy Type 2O; Charcot-Marie-Tooth disease, axonal, type 20. Identifiers: Orphanet 284232, MedGen C3280220, MONDO:0013644, OMIM 614228.

gnomAD v4.1: 1 of 1,614,220 alleles (0.000062%); no homozygotes.

Submission:

Labcorp Genetics (formerly Invitae), Labcorp
Classification: Uncertain significance for Charcot-Marie-Tooth disease axonal type 2O. Last evaluated: 2025-06-03. Review status: criteria provided, single submitter. Criteria: Invitae Variant Classification Sherloc (09022015). Collection method: clinical testing. Allele origin: germline.
Comment: This sequence change replaces glutamic acid, which is acidic and polar, with lysine, which is basic and polar, at codon 2587 of the DYNC1H1 protein (p.Glu2587Lys). This variant is not present in population databases (gnomAD no frequency). This variant has not been reported in the literature in individuals affected with DYNC1H1-related conditions. Invitae Evidence Modeling of protein sequence and biophysical properties (such as structural, functional, and spatial information, amino acid conservation, physicochemical variation, residue mobility, and thermodynamic stability) has been performed for this missense variant. However, the output from this modeling did not meet the statistical confidence thresholds required to predict the impact of this variant on DYNC1H1 protein function. In summary, the available evidence is currently insufficient to determine the role of this variant in disease. Therefore, it has been classified as a Variant of Uncertain Significance.